The following is an entry in ClinVar:

ClinVar aggregate classification (germline): Uncertain significance. Review status: criteria provided, multiple submitters, no conflicts (2 of 4 stars). 2 submissions from 2 submitters: Uncertain significance (2). Last evaluated 2024-06-26.

Conditions:
Inborn genetic diseases. Identifiers: MedGen C0950123, MeSH D030342.

Allele frequency attached by ClinVar (database versions not stated): gnomAD 0.00002; TOPMed 0.00002.
gnomAD v4.1: 10 of 1,528,306 alleles (0.00065%); highest among the groups gnomAD compares: Non-Finnish European, 0.00079%; no homozygotes.

Submissions (2):

Ambry Genetics
Classification: Uncertain significance for Inborn genetic diseases. Last evaluated: 2024-06-26. Review status: criteria provided, single submitter. Criteria: Ambry Variant Classification Scheme 2023. Collection method: clinical testing. Allele origin: germline.

Labcorp Genetics (formerly Invitae), Labcorp
Classification: Uncertain significance. Last evaluated: 2021-11-30. Review status: criteria provided, single submitter. Criteria: Invitae Variant Classification Sherloc (09022015). Collection method: clinical testing. Allele origin: germline.
Comment: This sequence change replaces threonine, which is neutral and polar, with alanine, which is neutral and non-polar, at codon 1718 of the OBSL1 protein (p.Thr1718Ala). The frequency data for this variant in the population databases is considered unreliable, as metrics indicate poor data quality at this position in the gnomAD database. This variant has not been reported in the literature in individuals affected with OBSL1-related conditions. Algorithms developed to predict the effect of missense changes on protein structure and function (SIFT, PolyPhen-2, Align-GVGD) all suggest that this variant is likely to be tolerated. In summary, the available evidence is currently insufficient to determine the role of this variant in disease. Therefore, it has been classified as a Variant of Uncertain Significance.

NM_015311.3(OBSL1):c.5152A>G (p.Thr1718Ala)

Gene: OBSL1 (obscurin like cytoskeletal adaptor 1; minus strand). Cytogenetic location: 2q35.
Variant type: single nucleotide variant.
Coding change: c.5152A>G on transcript NM_015311.3 (MANE Select); coding-DNA position 5152, A replaced by G.
Protein change: p.Thr1718Ala; replaces threonine 1718 with alanine.
Molecular consequence: missense variant.
Genome position (GRCh38, 1-based): chr2:219,552,692, T>C on the plus strand (A>G on the coding strand, the complement: OBSL1 is on the minus strand). VCF-style: chr2-219552692-T-C. GRCh37 (hg19) VCF-style: chr2-220417414-T-C.
Other names: c.5152A>G (NM_015311.2); short protein forms T1718A.
Identifiers: ClinVar variation 2417569 (VCV002417569.6), dbSNP rs1036705483, ClinGen allele CA66022407.